The following is an entry in ClinVar:

ClinVar aggregate classification (germline): Uncertain significance (1 of 4 stars; one submission).

Conditions:
Coffin-Siris syndrome 8. Identifiers: MedGen C5193054, MONDO:0032702, OMIM 618362.

Submission:

Victorian Clinical Genetics Services, Murdoch Childrens Research Institute
Classification: Uncertain significance for Coffin-Siris syndrome 8. Last evaluated: 2024-10-09. Review status: criteria provided, single submitter. Criteria: ACMG Guidelines, 2015. Collection method: clinical testing. Allele origin: germline. Inheritance: Autosomal dominant inheritance. Affected: yes.
Comment: Based on the classification scheme VCGS_Germline_v1.3.5, this variant is classified as VUS-3A. Following criteria are met: 0102 - Loss of function is a known mechanism of disease in this gene and is associated with Coffin-Siris syndrome 8 (MIM#618362). (I) 0107 - This gene is associated with autosomal dominant disease. (I) 0200 - Variant is predicted to result in a missense amino acid change from arginine to cysteine. (I) 0251 - This variant is heterozygous. (I) 0301 - Variant is absent from gnomAD (v2, v3 and v4). (SP) 0501 - Missense variant consistently predicted to be damaging by multiple in silico tools or highly conserved with a major amino acid change. (SP) 0600 - Variant is located in the annotated SWIRM-associated domain at the N-terminal (DECIPHER). (I) 0710 - Another missense variant comparable to the one identified in this case has inconclusive previous evidence for pathogenicity. p.(Arg16His) has been classified as a VUS in ClinVar. (I) 0807 - This variant has no previous evidence of pathogenicity. (I) 0905 - No published segregation evidence has been identified for this variant. (I) 1007 - No published functional evidence has been identified for this variant. (SP) Legend: (SP) - Supporting pathogenic, (I) - Information, (SB) - Supporting benign

NM_001330288.2(SMARCC2):c.346C>T (p.Arg116Cys)

Gene: SMARCC2 (SWI/SNF related BAF chromatin remodeling complex subunit C2; minus strand). Cytogenetic location: 12q13.2.
Variant type: single nucleotide variant.
Coding change: c.346C>T on transcript NM_001330288.2 (MANE Select); coding-DNA position 346, C replaced by T.
Protein change: p.Arg116Cys; replaces arginine 116 with cysteine.
Molecular consequence: missense variant.
Genome position (GRCh38, 1-based): chr12:56,185,083, G>A on the plus strand (C>T on the coding strand, the complement: SMARCC2 is on the minus strand). VCF-style: chr12-56185083-G-A. GRCh37 (hg19) VCF-style: chr12-56578867-G-A.
Other names: c.346C>T, p.Arg116Cys (NM_001130420.3, NM_003075.5, NM_139067.4); short protein forms R116C.
Identifiers: ClinVar variation 3377238 (VCV003377238.1).
Genomic context (GRCh38, chr12:56,185,083, plus strand): 5'-CTATTACCTGCACCAAGGACTTCTCAATGGTCATAAACATTTCCACATTGCGGTCCATGC[G>A]TGATGGATTCTGGAAATCGTAACGCCGCCTTGTGAAGAGGCAATAATCTAGTGAGTGGTA-3'
Protein context (NP_001317217.1, residues 106-126): WRRYDFQNPS[Arg116Cys]MDRNVEMFMT